The following is an entry in ClinVar:

NC_000018.10:g.51076638del

Gene: SMAD4 (SMAD family member 4; plus strand). Cytogenetic location: 18q21.2.
Variant type: Deletion.
Genome position: GRCh38 VCF-style: chr18-51076636-AG-A. GRCh37 (hg19) VCF-style: chr18-48603006-AG-A.
Identifiers: ClinVar variation 3148459 (VCV003148459.1), dbSNP rs2511389551, ClinGen allele CA2825002710.
Genomic context (GRCh38, chr18:51,076,636, plus strand): 5'-GGTTTTTAATGTATGGAATTTTTCTTTATGAACTCATAGTATGAAATGTTTTTTCTTAAA[AG>A]GTCTTTGATTTGCGTCAGTGTCATCGACAGATGCAGCAGCAGGCGGCTACTGCACAAGCT-3'

ClinVar aggregate classification (germline): Pathogenic (1 of 4 stars; one submission).

Conditions:
Juvenile polyposis/hereditary hemorrhagic telangiectasia syndrome (JPHT). Also called: Juvenile Polyposis Syndrome / Hereditary Hemorrhagic Telangiectasia (JPS/HHT); JP/HHT SYNDROME; JUVENILE POLYPOSIS WITH HEREDITARY HEMORRHAGIC TELANGIECTASIA; POLYPOSIS, GENERALIZED JUVENILE, WITH PULMONARY ARTERIOVENOUS MALFORMATION; TELANGIECTASIA, HEREDITARY HEMORRHAGIC, WITH JUVENILE POLYPOSIS COLI. Identifiers: Orphanet 2929, MedGen C1832942, MONDO:0008278, OMIM 175050.

Submission:

Myriad Genetics, Inc.
Classification: Pathogenic for Juvenile polyposis/hereditary hemorrhagic telangiectasia syndrome. Last evaluated: 2024-02-09. Review status: criteria provided, single submitter. Criteria: Myriad Autosomal Dominant, Autosomal Recessive and X-Linked Classification Criteria (2023). Collection method: clinical testing. Allele origin: unknown.
Comment: This variant is considered pathogenic. This variant creates a frameshift predicted to result in premature protein truncation.